The following is an entry in ClinVar:

ClinVar aggregate classification (germline): Uncertain significance. Review status: criteria provided, multiple submitters, no conflicts (2 of 4 stars). 2 submissions from 2 submitters: Uncertain significance (2). Last evaluated 2025-10-17.

Allele frequency attached by ClinVar (database versions not stated): gnomAD exomes below 0.00001.
gnomAD v4.1: 1 of 1,614,080 alleles (0.000062%); no homozygotes.

Submissions (2):

Ambry Genetics
Classification: Uncertain significance. Last evaluated: 2025-10-17. Review status: criteria provided, single submitter. Criteria: Ambry Variant Classification Scheme 2023. Collection method: clinical testing. Allele origin: germline.
Comment: The p.F435L variant (also known as c.1303T>C), located in coding exon 9 of the RINT1 gene, results from a T to C substitution at nucleotide position 1303. The phenylalanine at codon 435 is replaced by leucine, an amino acid with highly similar properties. This amino acid position is not well conserved in available vertebrate species. In addition, this alteration is predicted to be tolerated by in silico analysis. Since supporting evidence is limited at this time, the clinical significance of this alteration remains unclear.

Labcorp Genetics (formerly Invitae), Labcorp
Classification: Uncertain significance. Last evaluated: 2022-03-25. Review status: criteria provided, single submitter. Criteria: Invitae Variant Classification Sherloc (09022015). Collection method: clinical testing. Allele origin: germline.
Comment: This sequence change replaces phenylalanine, which is neutral and non-polar, with leucine, which is neutral and non-polar, at codon 435 of the RINT1 protein (p.Phe435Leu). In summary, the available evidence is currently insufficient to determine the role of this variant in disease. Therefore, it has been classified as a Variant of Uncertain Significance. Algorithms developed to predict the effect of missense changes on protein structure and function (SIFT, PolyPhen-2, Align-GVGD) all suggest that this variant is likely to be tolerated. This variant has not been reported in the literature in individuals affected with RINT1-related conditions. This variant is not present in population databases (gnomAD no frequency).

NM_021930.6(RINT1):c.1303T>C (p.Phe435Leu)

Gene: RINT1 (RAD50 interactor 1; plus strand). Cytogenetic location: 7q22.3.
Variant type: single nucleotide variant.
Coding change: c.1303T>C on transcript NM_021930.6 (MANE Select); coding-DNA position 1303, T replaced by C.
Protein change: p.Phe435Leu; replaces phenylalanine 435 with leucine.
Molecular consequence: missense variant. On other transcripts: non-coding transcript variant (1).
Genome position (GRCh38, 1-based): chr7:105,550,456, T>C. VCF-style: chr7-105550456-T-C. GRCh37 (hg19) VCF-style: chr7-105190903-T-C.
Other names: c.1069T>C, p.Phe357Leu (NM_001346599.2); c.280T>C, p.Phe94Leu (NM_001346600.2, NM_001346603.2); c.379T>C, p.Phe127Leu (NM_001346601.2); short protein forms F127L, F435L, F94L, F357L.
Identifiers: ClinVar variation 1769467 (VCV001769467.9), dbSNP rs2485133735, ClinGen allele CA368809404.
Genomic context (GRCh38, chr7:105,550,456, plus strand): 5'-GTTCATGGCTATCCTGGCACTTTTGCTAGTTGTATGCATATTCTATCAGAGGAAACCTGT[T>C]TTCAGAGATGGTTGACGGTGGAGAGAAAATGTAAGTGCTGATGTGGCCAGATGGTAGGGA-3'
Protein context (NP_068749.3, residues 425-445): CMHILSEETC[Phe435Leu]QRWLTVERKF